The following is an entry in ClinVar:

ClinVar aggregate classification (germline): Uncertain significance (1 of 4 stars; one submission).

gnomAD v4.1: 5 of 1,612,474 alleles (0.00031%); highest among the groups gnomAD compares: Non-Finnish European, 0.00042%; no homozygotes.

Submission:

Labcorp Genetics (formerly Invitae), Labcorp
Classification: Uncertain significance. Last evaluated: 2025-05-05. Review status: criteria provided, single submitter. Criteria: Invitae Variant Classification Sherloc (09022015). Collection method: clinical testing. Allele origin: germline.
Comment: This sequence change affects codon 71 of the C1S mRNA. It is a 'silent' change, meaning that it does not change the encoded amino acid sequence of the C1S protein. This variant also falls at the last nucleotide of exon 3, which is part of the consensus splice site for this exon. This variant is not present in population databases (gnomAD no frequency). This variant has not been reported in the literature in individuals affected with C1S-related conditions. ClinVar contains an entry for this variant (Variation ID: 3656957). Variants that disrupt the consensus splice site are a relatively common cause of aberrant splicing (PMID: 17576681, 9536098). Algorithms developed to predict the effect of sequence changes on RNA splicing suggest that this variant may disrupt the consensus splice site. In summary, the available evidence is currently insufficient to determine the role of this variant in disease. Therefore, it has been classified as a Variant of Uncertain Significance.

Literature cited by the submitters: PubMed 17576681; PubMed 9536098.

NM_001734.5(C1S):c.213G>A (p.Gln71=)

Gene: C1S (complement C1s; plus strand). Cytogenetic location: 12p13.31.
Variant type: single nucleotide variant.
Coding change: c.213G>A on transcript NM_001734.5 (MANE Select); coding-DNA position 213, G replaced by A.
Protein change: p.Gln71=; no amino-acid change (glutamine 71 retained).
Molecular consequence: synonymous variant. On other transcripts: intron variant (1).
Genome position (GRCh38, 1-based): chr12:7,062,682, G>A. VCF-style: chr12-7062682-G-A. GRCh37 (hg19) VCF-style: chr12-7169986-G-A.
Other names: c.213G>A, p.Gln71= (NM_201442.4); c.-288-208G>A (NM_001346850.2).
Identifiers: ClinVar variation 3656957 (VCV003656957.2).